The following is an entry in ClinVar:

NM_001365536.1(SCN9A):c.1497del (p.Lys499fs)

Genes: SCN1A-AS1 (SCN1A and SCN9A antisense RNA 1; plus strand), SCN9A (sodium voltage-gated channel alpha subunit 9; minus strand). Cytogenetic location: 2q24.3.
Variant type: Deletion.
Coding change: c.1497del on transcript NM_001365536.1 (MANE Select); coding-DNA position 1497, one base deleted (A; older notation c.1497delA).
Protein change: p.Lys499fs; shifts the reading frame from lysine 499.
Molecular consequence: frameshift variant.
Genome position (GRCh38, 1-based): chr2:166,286,441, T deleted on the plus strand (A on the coding strand, the reverse complement: SCN9A is on the minus strand); the first of 3 consecutive T bases (chr2:166,286,441-166,286,443); deleting any one gives the same sequence. VCF-style (leftmost placement, unchanged base first): chr2-166286440-AT-A. GRCh37 (hg19) VCF-style: chr2-167142950-AT-A.
Other names: c.1495delA, p.Lys499Asnfs (NM_002977.4); short protein forms K499fs.
Identifiers: ClinVar variation 1354382 (VCV001354382.6), dbSNP rs2106487245, ClinGen allele CA2573133737.

ClinVar aggregate classification (germline): Pathogenic (1 of 4 stars; one submission).

Conditions:
Generalized epilepsy with febrile seizures plus, type 7 (GEFSP7). Also called: GEFS+, TYPE 7. Identifiers: Orphanet 36387, MedGen C2751778, MONDO:0013470, OMIM 613863.
Neuropathy, hereditary sensory and autonomic, type 2A (HSAN2A). Also called: WNK1-Related HSAN2 (HSAN2A); MORVAN DISEASE; NEUROPATHY, CONGENITAL SENSORY; NEUROPATHY, HEREDITARY SENSORY RADICULAR, AUTOSOMAL RECESSIVE; NEUROPATHY, HEREDITARY SENSORY, TYPE IIA; NEUROPATHY, PROGRESSIVE SENSORY, OF CHILDREN. Identifiers: Orphanet 970, MedGen C2752089, MONDO:0024309, OMIM 201300.

Submission:

Labcorp Genetics (formerly Invitae), Labcorp
Classification: Pathogenic for Neuropathy, hereditary sensory and autonomic, type 2A; Generalized epilepsy with febrile seizures plus, type 7. Last evaluated: 2023-05-22. Review status: criteria provided, single submitter. Criteria: Invitae Variant Classification Sherloc (09022015). Collection method: clinical testing. Allele origin: germline.
Comment: This variant is not present in population databases (gnomAD no frequency). For these reasons, this variant has been classified as Pathogenic. ClinVar contains an entry for this variant (Variation ID: 1354382). This variant has not been reported in the literature in individuals affected with SCN9A-related conditions. This sequence change creates a premature translational stop signal (p.Lys499Asnfs*66) in the SCN9A gene. It is expected to result in an absent or disrupted protein product. Loss-of-function variants in SCN9A are known to be pathogenic (PMID: 17470132, 19304393).

Literature cited by the submitters: PubMed 17470132; PubMed 19304393.